The following is an entry in ClinVar:

NM_001042492.3(NF1):c.3791_3792del (p.Glu1264fs)

Gene: NF1 (neurofibromin 1; plus strand). Cytogenetic location: 17q11.2.
Variant type: Deletion.
Coding change: c.3791_3792del on transcript NM_001042492.3 (MANE Select); coding-DNA positions 3791 to 3792, 2 bases deleted (AA; older notation c.3791_3792delAA).
Protein change: p.Glu1264fs; shifts the reading frame from glutamic acid 1264.
Molecular consequence: frameshift variant.
Genome position (GRCh38, 1-based): chr17:31,235,693-31,235,694, AA deleted. VCF-style (leftmost placement, unchanged base first): chr17-31235692-GAA-G. GRCh37 (hg19) VCF-style: chr17-29562710-GAA-G.
Other names: c.3791_3792delAA, p.Glu1264Glyfs (NM_000267.4); short protein forms E1264fs.
Identifiers: ClinVar variation 1073396 (VCV001073396.5), dbSNP rs2151437904, ClinGen allele CA2499224114.

ClinVar aggregate classification (germline): Pathogenic (1 of 4 stars; one submission).

Conditions:
Neurofibromatosis, type 1 (NF1). Also called: VON RECKLINGHAUSEN DISEASE; Peripheral type neurofibromatosis; NEUROFIBROMATOSIS, TYPE I, SOMATIC; Neurofibromatosis, type I. Identifiers: Orphanet 636, MedGen C0027831, MONDO:0018975, OMIM 162200. Disease mechanism: loss of function.

Submission:

Labcorp Genetics (formerly Invitae), Labcorp
Classification: Pathogenic for Neurofibromatosis, type 1. Last evaluated: 2020-08-05. Review status: criteria provided, single submitter. Criteria: Invitae Variant Classification Sherloc (09022015). Collection method: clinical testing. Allele origin: germline.
Comment: This variant has not been reported in the literature in individuals with NF1-related conditions. This variant is not present in population databases (ExAC no frequency). This sequence change creates a premature translational stop signal (p.Glu1264Glyfs*19) in the NF1 gene. It is expected to result in an absent or disrupted protein product. Algorithms developed to predict the effect of sequence changes on RNA splicing suggest that this variant may create or strengthen a splice site, but this prediction has not been confirmed by published transcriptional studies. For these reasons, this variant has been classified as Pathogenic. Loss-of-function variants in NF1 are known to be pathogenic (PMID: 10712197, 23913538).

Literature cited by the submitters: PubMed 10712197; PubMed 23913538.